The following is an entry in ClinVar:

NM_000062.3(SERPING1):c.1038_1052del (p.Gln346_Ser350del)

Gene: SERPING1 (serpin family G member 1; plus strand). Cytogenetic location: 11q12.1.
Variant type: Deletion.
Coding change: c.1038_1052del on transcript NM_000062.3 (MANE Select); coding-DNA positions 1038 to 1052, 15 bases deleted (GCTGCAGCTCTCCCA).
Protein change: p.Gln346_Ser350del.
Molecular consequence: inframe deletion.
Genome position (GRCh38, 1-based): chr11:57,611,725-57,611,739, GCTGCAGCTCTCCCA deleted; deleting any 15 consecutive bases within chr11:57,611,723-57,611,739 gives the same sequence; the c. name uses the placement nearest the transcript's 3' end. VCF-style (leftmost placement, unchanged base first): chr11-57611722-GCAGCTGCAGCTCTCC-G. GRCh37 (hg19) VCF-style: chr11-57379195-GCAGCTGCAGCTCTCC-G.
Other names: c.1038_1052del, p.Gln346_Ser350del (NM_001032295.2).
Identifiers: ClinVar variation 690358 (VCV000690358.2), dbSNP rs1590829616, ClinGen allele CA915948105.

ClinVar aggregate classification (germline): Likely pathogenic (1 of 4 stars; one submission).

Conditions:
Hereditary angioedema type 1 (HAE1). Identifiers: Orphanet 100050, Orphanet 100051, Orphanet 91378, MedGen C2717906, MONDO:0015053, OMIM 106100.

Submission:

Department of Immunology and Histocompatibility, University of Thessaly
Classification: Likely pathogenic for Hereditary angioedema type 1. Review status: criteria provided, single submitter. Criteria: ACMG Guidelines, 2015. Collection method: clinical testing. Allele origin: germline. Affected: yes. Observed: 2 variant alleles.
Comment: The c.1038_1052delGCTGCAGCTCTCCCA (p.Gln346_Ser350del) variant has been previously reported in association with hereditary angioedema in the literature (Speletas et al., 2015, Loules et al., 2018). It is a non-frameshift mutation that changes the protein length by the deletion of 15bp (5aa). It was detected by our laboratory in 2 male patients with C1-INH HAE Type I. It has never been detected in approximately 120000 individuals of the Exome Aggregation Consortium (ExAC), indicating that it is not a common variant. There are 4 different variants at this part of the gene that have been previously associated with the disease, two of which are nonsense [c.1036C>T (p.Gln346Ter), Verpy et al. (1996), c.1042C>T (p.Gln348Ter), Pappalardo et al. (2008), c.1046T>C (p.Leu349Pro), Grodecka et al. 2017 and c.1048T>C (p.Ser350Pro), Lopez-Lera et al. 2011]. According to ACMG Guidelines (Criteria: PM2, PM4, PP1, PP4) the variant is considered likely pathogenic.

Literature cited by the submitters: PubMed 29753808.